The following is an entry in ClinVar:

ClinVar aggregate classification (germline): Uncertain significance. Review status: criteria provided, multiple submitters, no conflicts (2 of 4 stars). 2 submissions from 2 submitters: Uncertain significance (2). Last evaluated 2026-02-17.

Conditions:
Polycystic kidney disease 3 with or without polycystic liver disease. Also called: Polycystic kidney disease 3; POLYCYSTIC KIDNEY DISEASE, ADULT, TYPE III; Polycystic Kidney and/or Polycystic Liver Disease 3. Identifiers: MedGen C3887964, MONDO:0010916, OMIM 600666.

gnomAD v4.1: 1 of 1,609,980 alleles (0.000062%); highest among the groups gnomAD compares: African/African-American, 0.0013%; no homozygotes.

Submissions (2):

Victorian Clinical Genetics Services, Murdoch Childrens Research Institute
Classification: Uncertain significance for Polycystic kidney disease 3 with or without polycystic liver disease. Last evaluated: 2026-02-17. Review status: criteria provided, single submitter. Criteria: ACMG Guidelines, 2015. Collection method: clinical testing. Allele origin: germline. Affected: yes.
Comment: This variant is classified as VUS-3B. Evidence in support of pathogenic classification: Variant is present in gnomAD <0.001 for a dominant condition (v4: 1 heterozygote(s), 0 homozygote(s)). Additional information: Variant is predicted to result in a missense amino acid change from Asp to His; This variant is heterozygous; This gene is associated with autosomal dominant disease; Previous evidence of pathogenicity for this variant is inconclusive. This variant has been classified as a VUS by a clinical laboratory in ClinVar; No published evidence of segregation with disease has been identified for this variant; No published functional evidence has been identified for this variant; No comparable missense variants have previous evidence for pathogenicity; Variant is not located in an established domain, motif, hotspot or informative constraint region; Missense variant with inconclusive in silico prediction and/or uninformative conservation; Loss of function is a known mechanism of disease in this gene and is associated with polycystic kidney disease 3 (MIM#600666); Variants in this gene are known to have variable expressivity. Onset is usually in adulthood and renal disease is typically mild (OMIM); however, earlier-onset and more severe disease have been reported (PMIDs: 30792735, 27259053, 40134995); Inheritance information for this variant is not currently available in this individual.

Fulgent Genetics
Classification: Uncertain significance for Polycystic kidney disease 3 with or without polycystic liver disease. Last evaluated: 2024-01-28. Review status: criteria provided, single submitter. Criteria: ACMG Guidelines, 2015. Collection method: clinical testing. Allele origin: germline.

Literature cited by the submitters: PubMed 30792735 (cited by Victorian Clinical Genetics Services, Murdoch Childrens Research Institute); PubMed 40134995 (cited by Victorian Clinical Genetics Services, Murdoch Childrens Research Institute); PubMed 27259053 (cited by Victorian Clinical Genetics Services, Murdoch Childrens Research Institute).

NM_198334.3(GANAB):c.2632G>C (p.Asp878His)

Gene: GANAB (glucosidase II alpha subunit; minus strand). Cytogenetic location: 11q12.3.
Variant type: single nucleotide variant.
Coding change: c.2632G>C on transcript NM_198334.3 (MANE Select); coding-DNA position 2632, G replaced by C.
Protein change: p.Asp878His; replaces aspartic acid 878 with histidine.
Molecular consequence: missense variant.
Genome position (GRCh38, 1-based): chr11:62,626,158, C>G on the plus strand (G>C on the coding strand, the complement: GANAB is on the minus strand). VCF-style: chr11-62626158-C-G. GRCh37 (hg19) VCF-style: chr11-62393630-C-G.
Other names: c.2356G>C, p.Asp786His (NM_001278192.2); c.2290G>C, p.Asp764His (NM_001278193.2); c.2341G>C, p.Asp781His (NM_001278194.2, NM_001329222.2, NM_001329223.2); c.1909G>C, p.Asp637His (NM_001329224.2, NM_001329225.2); c.2698G>C, p.Asp900His (NM_198335.4); short protein forms D637H, D786H, D764H, D781H, D878H, D900H.
Identifiers: ClinVar variation 3599831 (VCV003599831.2).